The following is an entry in ClinVar:

NM_001035.3(RYR2):c.5454T>C (p.Phe1818=)

Gene: RYR2 (ryanodine receptor 2; plus strand). Cytogenetic location: 1q43.
Variant type: single nucleotide variant.
Coding change: c.5454T>C on transcript NM_001035.3 (MANE Select); coding-DNA position 5454, T replaced by C.
Protein change: p.Phe1818=; no amino-acid change (phenylalanine 1818 retained).
Molecular consequence: synonymous variant.
Genome position (GRCh38, 1-based): chr1:237,614,582, T>C. VCF-style: chr1-237614582-T-C. GRCh37 (hg19) VCF-style: chr1-237777882-T-C.
Identifiers: ClinVar variation 705932 (VCV000705932.60), dbSNP rs201218861, ClinGen allele CA086890.
Genomic context (GRCh38, chr1:237,614,582, plus strand): 5'-TGTTAAAGAGGGCAGTCTTCATGCCCGGGACCCAGTTGGAGGGACTACTGAATTCCTCTT[T>C]GTACCTCTCATCAAGCTTTTCTATACCCTGCTGATCATGGGCATCTTTCACAACGAGGAC-3'
Protein context (NP_001026.2, residues 1808-1828): DPVGGTTEFL[Phe1818=]VPLIKLFYTL

ClinVar aggregate classification (germline): Conflicting classifications of pathogenicity. Review status: criteria provided, conflicting classifications (1 of 4 stars). 10 submissions from 9 submitters: Uncertain significance (2); Likely benign (6). 2 of the submissions do not count toward it. Last evaluated 2025-10-27.

Conditions:
Catecholaminergic polymorphic ventricular tachycardia 1. Also called: RYR2-Related Catecholaminergic Polymorphic Ventricular Tachycardia; VENTRICULAR TACHYCARDIA, CATECHOLAMINERGIC POLYMORPHIC, 1, WITH OR WITHOUT ATRIAL DYSFUNCTION AND/OR DILATED CARDIOMYOPATHY; VENTRICULAR TACHYCARDIA, STRESS-INDUCED POLYMORPHIC 1. Identifiers: Orphanet 3286, MedGen C1631597, MONDO:0011484, OMIM 604772.
Catecholaminergic polymorphic ventricular tachycardia (CVPT). Also called: Catecholamine-induced polymorphic ventricular tachycardia. Identifiers: Orphanet 3286, MedGen C5574922, MONDO:0017990.
Cardiovascular phenotype. Identifiers: MedGen CN230736.
Cardiomyopathy (CMYO). Also called: Cardiomyopathies. Identifiers: Orphanet 167848, MedGen C0878544, MONDO:0004994, HP:0001638. Inheritance: Various modes of inheritance.
Arrhythmogenic right ventricular dysplasia 2. Identifiers: MedGen C1832931.

Allele frequency attached by ClinVar (database versions not stated): TOPMed 0.00003; gnomAD 0.00005; gnomAD exomes 0.00005 and 0.00008; ExAC 0.00007.
gnomAD v4.1: 76 of 1,613,962 alleles (0.0047%); highest among the groups gnomAD compares: Non-Finnish European, 0.0042%; no homozygotes.

Submissions (10):

Labcorp Genetics (formerly Invitae), Labcorp
Classification: Likely benign for Catecholaminergic polymorphic ventricular tachycardia 1. Last evaluated: 2025-10-27. Review status: criteria provided, single submitter. Criteria: Invitae Variant Classification Sherloc (09022015). Collection method: clinical testing. Allele origin: germline.

Blueprint Genetics
Classification: Likely benign. Last evaluated: 2024-10-29. Review status: criteria provided, single submitter. Criteria: ACMG Guidelines, 2015. Collection method: clinical testing. Allele origin: germline.

All of Us Research Program, National Institutes of Health
Classification: Likely benign for Catecholaminergic polymorphic ventricular tachycardia. Last evaluated: 2023-11-20. Review status: criteria provided, single submitter. Criteria: ACMG Guidelines, 2015. Collection method: clinical testing. Allele origin: germline. Inheritance: Autosomal dominant inheritance. Observed: 16 variant alleles, 16 heterozygotes.
Comment: This study involves interpretation of variants in research participants for the purpose of population health screening. Participant phenotype was not available at the time of variant classification. Additional details can be found in publication PMID: 35346344, PMCID: PMC8962531

Ambry Genetics
Classification: Likely benign for Cardiovascular phenotype. Last evaluated: 2023-05-19. Review status: criteria provided, single submitter. Criteria: Ambry Variant Classification Scheme 2023. Collection method: clinical testing. Allele origin: germline.

CeGaT Center for Human Genetics Tuebingen
Classification: Likely benign. Last evaluated: 2019-12-01. Review status: criteria provided, single submitter. Criteria: CeGaT Center For Human Genetics Tuebingen Variant Classification Criteria Version 2. Collection method: clinical testing. Allele origin: germline. Affected: yes. Observed: 2 variant alleles.

Color Diagnostics, LLC DBA Color Health
Classification: Likely benign for Cardiomyopathy. Last evaluated: 2018-11-08. Review status: criteria provided, single submitter. Criteria: ACMG Guidelines, 2015. Collection method: clinical testing. Allele origin: germline.

Illumina Laboratory Services, Illumina
Classification: Uncertain significance for Catecholaminergic polymorphic ventricular tachycardia 1. Last evaluated: 2018-01-15. Review status: criteria provided, single submitter. Criteria: ICSL Variant Classification Criteria 13 December 2019. Collection method: clinical testing. Allele origin: germline.

Illumina Laboratory Services, Illumina
Classification: Uncertain significance for Catecholaminergic polymorphic ventricular tachycardia 1. Last evaluated: 2018-01-15. Review status: criteria provided, single submitter. Criteria: ICSL Variant Classification Criteria 13 December 2019. Collection method: clinical testing. Allele origin: germline.

Clinical Genetics, Academic Medical Center
Classification: Benign. Review status: no assertion criteria provided. Collection method: clinical testing. Allele origin: germline. Affected: yes. Study: VKGL Data-share Consensus. Not counted in ClinVar's aggregate classification.

Diagnostic Laboratory, Department of Genetics, University Medical Center Groningen
Classification: Likely benign. Review status: no assertion criteria provided. Collection method: clinical testing. Allele origin: germline. Affected: yes. Study: VKGL Data-share Consensus. Not counted in ClinVar's aggregate classification.